The following is an entry in ClinVar:

ClinVar aggregate classification (germline): Uncertain significance (1 of 4 stars; one submission).

Conditions:
Hereditary cancer-predisposing syndrome. Also called: Hereditary Cancer Syndrome; Hereditary neoplastic syndrome; Neoplastic Syndromes, Hereditary; Tumor predisposition. Identifiers: Orphanet 140162, MedGen C0027672, MeSH D009386, MONDO:0015356.

Submission:

Ambry Genetics
Classification: Uncertain significance for Hereditary cancer-predisposing syndrome. Last evaluated: 2021-08-04. Review status: criteria provided, single submitter. Criteria: Ambry Variant Classification Scheme 2023. Collection method: clinical testing. Allele origin: germline.
Comment: The p.P335S variant (also known as c.1003C>T), located in coding exon 5 of the RET gene, results from a C to T substitution at nucleotide position 1003. The proline at codon 335 is replaced by serine, an amino acid with similar properties. This amino acid position is well conserved in available vertebrate species. In addition, the in silico prediction for this alteration is inconclusive. Since supporting evidence is limited at this time, the clinical significance of this alteration remains unclear.

NM_020975.6(RET):c.1003C>T (p.Pro335Ser)

Gene: RET (ret proto-oncogene; plus strand). Cytogenetic location: 10q11.21.
Variant type: single nucleotide variant.
Coding change: c.1003C>T on transcript NM_020975.6 (MANE Select); coding-DNA position 1003, C replaced by T.
Protein change: p.Pro335Ser; replaces proline 335 with serine.
Molecular consequence: missense variant.
Genome position (GRCh38, 1-based): chr10:43,106,511, C>T. VCF-style: chr10-43106511-C-T. GRCh37 (hg19) VCF-style: chr10-43601959-C-T.
Other names: c.1003C>T, p.Pro335Ser (NM_000323.2, NM_001406743.1, NM_001406744.1 and 6 more transcripts); c.241C>T, p.Pro81Ser (NM_001355216.2); c.874C>T, p.Pro292Ser (NM_001406761.1, NM_001406762.1, NM_001406764.1 and 1 more transcripts); c.715C>T, p.Pro239Ser (NM_001406766.1, NM_001406767.1, NM_001406770.1); short protein forms P292S, P335S, P81S, P239S.
Identifiers: ClinVar variation 1775438 (VCV001775438.2), dbSNP rs1837782662, ClinGen allele CA376546338.